The following is an entry in ClinVar:

NM_005670.4(EPM2A):c.934del (p.Arg312fs)

Gene: EPM2A (EPM2A glucan phosphatase, laforin; minus strand). Cytogenetic location: 6q24.3.
Variant type: Deletion.
Coding change: c.934del on transcript NM_005670.4 (MANE Select); coding-DNA position 934, one base deleted (C; older notation c.934delC).
Protein change: p.Arg312fs; shifts the reading frame from arginine 312.
Molecular consequence: frameshift variant. On other transcripts: 3 prime UTR variant (1), non-coding transcript variant (1), intron variant (1).
Genome position (GRCh38, 1-based): chr6:145,627,478, G deleted on the plus strand (C on the coding strand, the reverse complement: EPM2A is on the minus strand); the first of 3 consecutive G bases (chr6:145,627,478-145,627,480); deleting any one gives the same sequence. VCF-style (leftmost placement, unchanged base first): chr6-145627477-CG-C. GRCh37 (hg19) VCF-style: chr6-145948613-CG-C.
Other names: c.*17del (NM_001360057.2); c.520del, p.Arg174fs (NM_001360064.2, NM_001360071.2, NM_001368131.1); c.472del, p.Arg158fs (NM_001368129.2, NM_001368132.1); c.924+10del (NM_001018041.2); short protein forms R158fs, R174fs, R312fs.
Identifiers: ClinVar variation 4805338 (VCV004805338.1).

ClinVar aggregate classification (germline): Pathogenic (1 of 4 stars; one submission).

Conditions:
Progressive myoclonic epilepsy. Also called: Familial progressive myoclonic epilepsy; Myoclonus epilepsy; Progressive myoclonus epilepsy; Myoclonic Epilepsies, Progressive. Identifiers: Orphanet 308, Orphanet 98261, MedGen C0751778, MONDO:0020074.

Submission:

Labcorp Genetics (formerly Invitae), Labcorp
Classification: Pathogenic for Progressive myoclonic epilepsy. Last evaluated: 2025-06-27. Review status: criteria provided, single submitter. Criteria: Invitae Variant Classification Sherloc (09022015). Collection method: clinical testing. Allele origin: germline.
Comment: This sequence change is expected to alter the c-terminus of the EPM2A protein (p.Arg312Glyfs*38). While this is not anticipated to result in nonsense mediated decay, it is expected to disrupt the last 20 amino acid(s) of the EPM2A protein and extend the protein by 17 additional amino acid residues. This variant is not present in population databases (gnomAD no frequency). This variant has not been reported in the literature in individuals affected with EPM2A-related conditions. This variant disrupts a region of the EPM2A protein in which other variant(s) (p.Gln319Profs*12) have been determined to be pathogenic (PMID: 14722920). This suggests that this is a clinically significant region of the protein, and that variants that disrupt it are likely to be disease-causing. For these reasons, this variant has been classified as Pathogenic.

Literature cited by the submitters: PubMed 14722920.